The following is an entry in ClinVar:

NM_001378778.1(MPDZ):c.5556A>G (p.Ala1852=)

Gene: MPDZ (multiple PDZ domain crumbs cell polarity complex component; minus strand). Cytogenetic location: 9p23.
Variant type: single nucleotide variant.
Coding change: c.5556A>G on transcript NM_001378778.1 (MANE Select); coding-DNA position 5556, A replaced by G.
Protein change: p.Ala1852=; no amino-acid change (alanine 1852 retained).
Molecular consequence: synonymous variant.
Genome position (GRCh38, 1-based): chr9:13,113,932, T>C on the plus strand (A>G on the coding strand, the complement: MPDZ is on the minus strand). VCF-style: chr9-13113932-T-C. GRCh37 (hg19) VCF-style: chr9-13113931-T-C.
Other names: c.5346A>G, p.Ala1782= (NM_001375423.1, NM_001375424.1, NM_001375420.1 and 2 more transcripts); c.5259A>G, p.Ala1753= (NM_001375425.1, NM_001375426.1); c.5457A>G, p.Ala1819= (NM_001261406.2, NM_001375416.1, NM_001375417.1 and 1 more transcripts); c.5370A>G, p.Ala1790= (NM_001261407.2, NM_001375419.1); c.5556A>G, p.Ala1852= (NM_001330637.2); c.5655A>G, p.Ala1885= (NM_001375413.1); c.5148A>G, p.Ala1716= (NM_001375427.1); c.5469A>G, p.Ala1823= (NM_003829.5).
Identifiers: ClinVar variation 1990690 (VCV001990690.4), dbSNP rs1340820286, ClinGen allele CA463864076.
Genomic context (GRCh38, chr9:13,113,932, plus strand): 5'-AAAAAATCAGTGTTGACAGCCAAATTCAAACCATGTTTAAAATACTGAACCAATCTTACA[T>C]GCATTCTTCTTTGAGCTACTTTCCAGTGACTCAGATGTACTGGATCCAGAGAGTGGAAAA-3'
Protein context (NP_001365707.1, residues 1842-1862): ESLESSSKKN[Ala1852=]LASEIQGLRT

ClinVar aggregate classification (germline): Uncertain significance (1 of 4 stars; one submission).

Allele frequency attached by ClinVar (database versions not stated): TOPMed below 0.00001; gnomAD 0.00001.
gnomAD v4.1: 3 of 1,583,784 alleles (0.00019%); highest among the groups gnomAD compares: Non-Finnish European, 0.00026%; no homozygotes.

Submission:

Labcorp Genetics (formerly Invitae), Labcorp
Classification: Uncertain significance. Last evaluated: 2022-06-04. Review status: criteria provided, single submitter. Criteria: Invitae Variant Classification Sherloc (09022015). Collection method: clinical testing. Allele origin: germline.
Comment: In summary, the available evidence is currently insufficient to determine the role of this variant in disease. Therefore, it has been classified as a Variant of Uncertain Significance. Algorithms developed to predict the effect of sequence changes on RNA splicing suggest that this variant is not likely to affect RNA splicing. This variant has not been reported in the literature in individuals affected with MPDZ-related conditions. This variant is present in population databases (no rsID available, gnomAD 0.007%). This sequence change affects codon 1823 of the MPDZ mRNA. It is a 'silent' change, meaning that it does not change the encoded amino acid sequence of the MPDZ protein. It affects a nucleotide within the consensus splice site.